The following is an entry in ClinVar:

NM_004369.4(COL6A3):c.7264C>T (p.Arg2422Ter)

Gene: COL6A3 (collagen type VI alpha 3 chain; minus strand). Cytogenetic location: 2q37.3.
Variant type: single nucleotide variant.
Coding change: c.7264C>T on transcript NM_004369.4 (MANE Select); coding-DNA position 7264, C replaced by T.
Protein change: p.Arg2422Ter; replaces arginine 2422 with a stop codon.
Molecular consequence: nonsense.
Genome position (GRCh38, 1-based): chr2:237,344,754, G>A on the plus strand (C>T on the coding strand, the complement: COL6A3 is on the minus strand). VCF-style: chr2-237344754-G-A. GRCh37 (hg19) VCF-style: chr2-238253397-G-A.
Other names: c.5443C>T, p.Arg1815Ter (NM_057166.5); c.6646C>T, p.Arg2216Ter (NM_057167.4); short protein forms R2422*, R2216*, R1815*.
Identifiers: ClinVar variation 224677 (VCV000224677.11), dbSNP rs878854379, ClinGen allele CA10575974.
Genomic context (GRCh38, chr2:237,344,754, plus strand): 5'-CCCGTGGGCAGTTGCTCTCAGCAATGGTCAGGTCATTCACAATACTCAAGACCACATCTC[G>A]CATCCGGCCGAAAGTGTCTTGGTTGACTCCCTCAGAGGTGTCTAAAGCAAAGGCTAGTTC-3'

ClinVar aggregate classification (germline): Pathogenic/Likely pathogenic. Review status: criteria provided, multiple submitters, no conflicts (2 of 4 stars). 4 submissions from 4 submitters: Pathogenic (2); Likely pathogenic (2). Last evaluated 2024-04-16.

Conditions:
Bethlem myopathy 1A. Also called: MYOPATHY, BENIGN CONGENITAL, WITH CONTRACTURES; Bethlem Muscular Dystrophy; Bethlem myopathy 1. Identifiers: Orphanet 610, MedGen CN029274, MONDO:0024530, OMIM 158810.

Allele frequency attached by ClinVar (database versions not stated): gnomAD exomes below 0.00001; TOPMed 0.00002.
gnomAD v4.1: 11 of 1,600,510 alleles (0.00069%); highest among the groups gnomAD compares: South Asian, 0.0011%; no homozygotes.

Submissions (4):

GeneDx
Classification: Likely pathogenic. Last evaluated: 2024-04-16. Review status: criteria provided, single submitter. Criteria: GeneDx Variant Classification Process June 2021. Collection method: clinical testing. Allele origin: germline. Affected: yes.
Comment: Nonsense variant predicted to result in protein truncation or nonsense mediated decay in a gene for which loss of function is a known mechanism of disease; Not observed at significant frequency in large population cohorts (gnomAD); This variant is associated with the following publications: (PMID: 27854218, 28660205)

Labcorp Genetics (formerly Invitae), Labcorp
Classification: Pathogenic for Bethlem myopathy 1A. Last evaluated: 2023-10-29. Review status: criteria provided, single submitter. Criteria: Invitae Variant Classification Sherloc (09022015). Collection method: clinical testing. Allele origin: germline.
Comment: This sequence change creates a premature translational stop signal (p.Arg2422*) in the COL6A3 gene. It is expected to result in an absent or disrupted protein product. Loss-of-function variants in COL6A3 are known to be pathogenic (PMID: 26004199). This variant is present in population databases (no rsID available, gnomAD 0.0009%). This premature translational stop signal has been observed in individual(s) with congenital muscular dystrophy (PMID: 27854218, 28660205). ClinVar contains an entry for this variant (Variation ID: 224677). For these reasons, this variant has been classified as Pathogenic.

Revvity Omics, Revvity
Classification: Pathogenic. Last evaluated: 2019-06-12. Review status: criteria provided, single submitter. Criteria: ACMG Guidelines, 2015. Collection method: clinical testing. Allele origin: germline.

Center for Genetic Medicine Research, Children's National Medical Center
Classification: Likely pathogenic for Bethlem myopathy 1A. Last evaluated: 2015-12-01. Review status: criteria provided, single submitter. Criteria: Punetha et al. (J Neuromuscul Dis. 2016). Collection method: research. Allele origin: unknown.

Literature cited by the submitters: PubMed 26004199 (cited by Labcorp Genetics (formerly Invitae), Labcorp); PubMed 27854218 (cited by Labcorp Genetics (formerly Invitae), Labcorp); PubMed 28660205 (cited by Labcorp Genetics (formerly Invitae), Labcorp).